The following is an entry in ClinVar:

NM_005458.8(GABBR2):c.1047G>A (p.Val349=)

Gene: GABBR2 (gamma-aminobutyric acid type B receptor subunit 2; minus strand). Cytogenetic location: 9q22.33.
Variant type: single nucleotide variant.
Coding change: c.1047G>A on transcript NM_005458.8 (MANE Select); coding-DNA position 1047, G replaced by A.
Protein change: p.Val349=; no amino-acid change (valine 349 retained).
Molecular consequence: synonymous variant.
Genome position (GRCh38, 1-based): chr9:98,454,170, C>T on the plus strand (G>A on the coding strand, the complement: GABBR2 is on the minus strand). VCF-style: chr9-98454170-C-T. GRCh37 (hg19) VCF-style: chr9-101216452-C-T.
Identifiers: ClinVar variation 3338550 (VCV003338550.1).

ClinVar aggregate classification (germline): Uncertain significance (1 of 4 stars; one submission).

Submission:

Greenwood Genetic Center Diagnostic Laboratories, Greenwood Genetic Center
Classification: Uncertain significance. Last evaluated: 2024-04-08. Review status: criteria provided, single submitter. Criteria: ACMG Guidelines, 2015. Collection method: clinical testing. Allele origin: germline. Affected: yes.
Comment: PM2